The following is an entry in ClinVar:

ClinVar aggregate classification (germline): Uncertain significance. Review status: criteria provided, single submitter (1 of 4 stars). 2 submissions from 2 submitters: Uncertain significance (1). 1 of the submissions does not count toward it. Last evaluated 2021-08-26.

Conditions:
Granulomatous disease, chronic, autosomal recessive, cytochrome b-negative. Also called: GRANULOMATOUS DISEASE, CHRONIC, AUTOSOMAL RECESSIVE, 4; Chronic granulomatous disease, autosomal, due to deficiency of CYBA; CGD DUE TO DEFICIENCY OF THE ALPHA SUBUNIT OF CYTOCHROME b; CGD, AUTOSOMAL RECESSIVE CYTOCHROME b-NEGATIVE; CYBA DEFICIENCY. Identifiers: Orphanet 379, MedGen C1856255, MONDO:0009308, OMIM 233690.
Chronic granulomatous disease. Identifiers: Orphanet 379, MedGen C0018203, MONDO:0018305.

Allele frequency attached by ClinVar (database versions not stated): gnomAD 0.00001; TOPMed 0.00001; gnomAD exomes 0.00002.

Submissions (2):

Labcorp Genetics (formerly Invitae), Labcorp
Classification: Uncertain significance for Granulomatous disease, chronic, autosomal recessive, cytochrome b-negative. Last evaluated: 2021-08-26. Review status: criteria provided, single submitter. Criteria: Invitae Variant Classification Sherloc (09022015). Collection method: clinical testing. Allele origin: germline.
Comment: This sequence change replaces arginine with glutamine at codon 141 of the CYBA protein (p.Arg141Gln). The arginine residue is moderately conserved and there is a small physicochemical difference between arginine and glutamine. The frequency data for this variant in the population databases is considered unreliable, as metrics indicate insufficient coverage at this position in the ExAC database. This variant has not been reported in the literature in individuals affected with CYBA-related conditions. Algorithms developed to predict the effect of missense changes on protein structure and function are either unavailable or do not agree on the potential impact of this missense change (SIFT: "Tolerated"; PolyPhen-2: "Probably Damaging"; Align-GVGD: "Class C0"). In summary, the available evidence is currently insufficient to determine the role of this variant in disease. Therefore, it has been classified as a Variant of Uncertain Significance.

Natera, Inc.
Classification: Uncertain significance for Chronic granulomatous disease. Last evaluated: 2020-01-24. Review status: no assertion criteria provided. Collection method: clinical testing. Allele origin: germline. Not counted in ClinVar's aggregate classification.

NM_000101.4(CYBA):c.422G>A (p.Arg141Gln)

Gene: CYBA (cytochrome b-245 alpha chain; minus strand). Cytogenetic location: 16q24.2.
Variant type: single nucleotide variant.
Coding change: c.422G>A on transcript NM_000101.4 (MANE Select); coding-DNA position 422, G replaced by A.
Protein change: p.Arg141Gln; replaces arginine 141 with glutamine.
Molecular consequence: missense variant.
Genome position (GRCh38, 1-based): chr16:88,643,519, C>T on the plus strand (G>A on the coding strand, the complement: CYBA is on the minus strand). VCF-style: chr16-88643519-C-T. GRCh37 (hg19) VCF-style: chr16-88709927-C-T.
Other names: short protein forms R141Q.
Identifiers: ClinVar variation 654116 (VCV000654116.8), dbSNP rs1242215580, ClinGen allele CA397057611.
Genomic context (GRCh38, chr16:88,643,519, plus strand): 5'-GCCGGGGGCCGCGGCGGGGGGTTGCTGGGCGGCTGCTTGATGGTGCCTCCGATCTGCGGC[C>T]GCTCCCGGGGCTTGGGCTCGATGGGCGTCCACTGCTCGCCACGCACAGCCGCCTGCGGGG-3'
Protein context (NP_000092.2, residues 131-151): WTPIEPKPRE[Arg141Gln]PQIGGTIKQP